The following is an entry in ClinVar:

ClinVar aggregate classification (germline): Uncertain significance. Review status: criteria provided, multiple submitters, no conflicts (2 of 4 stars). 3 submissions from 3 submitters: Uncertain significance (3). Last evaluated 2025-11-27.

Conditions:
Nephronophthisis 15 (NPHP15). Identifiers: Orphanet 3156, MedGen C3541853, MONDO:0013917, OMIM 614845.
Inborn genetic diseases. Identifiers: MedGen C0950123, MeSH D030342.

Allele frequency attached by ClinVar (database versions not stated): gnomAD exomes 0.00001 and 0.00002; ExAC 0.00002; gnomAD 0.00002 and 0.00003; TOPMed 0.00002; 1000 Genomes Project 30x 0.00016; 1000 Genomes Project 0.00020.
gnomAD v4.1: 29 of 1,614,136 alleles (0.0018%); highest among the groups gnomAD compares: East Asian, 0.029%; no homozygotes.

Submissions (3):

Labcorp Genetics (formerly Invitae), Labcorp
Classification: Uncertain significance for Nephronophthisis 15. Last evaluated: 2025-11-27. Review status: criteria provided, single submitter. Criteria: Invitae Variant Classification Sherloc (09022015). Collection method: clinical testing. Allele origin: germline.
Comment: This sequence change replaces arginine, which is basic and polar, with histidine, which is basic and polar, at codon 909 of the CEP164 protein (p.Arg909His). This variant is present in population databases (rs530932318, gnomAD 0.02%). This variant has not been reported in the literature in individuals affected with CEP164-related conditions. ClinVar contains an entry for this variant (Variation ID: 1063680). Invitae Evidence Modeling of protein sequence and biophysical properties (such as structural, functional, and spatial information, amino acid conservation, physicochemical variation, residue mobility, and thermodynamic stability) indicates that this missense variant is not expected to disrupt CEP164 protein function with a negative predictive value of 80%. In summary, the available evidence is currently insufficient to determine the role of this variant in disease. Therefore, it has been classified as a Variant of Uncertain Significance.

Ambry Genetics
Classification: Uncertain significance for Inborn genetic diseases. Last evaluated: 2024-03-01. Review status: criteria provided, single submitter. Criteria: Ambry Variant Classification Scheme 2023. Collection method: clinical testing. Allele origin: germline.

Blueprint Genetics
Classification: Uncertain significance. Last evaluated: 2023-01-04. Review status: criteria provided, single submitter. Criteria: ACMG Guidelines, 2015. Collection method: clinical testing. Allele origin: germline.

NM_014956.5(CEP164):c.2726G>A (p.Arg909His)

Gene: CEP164 (centrosomal protein 164; plus strand). Cytogenetic location: 11q23.3.
Variant type: single nucleotide variant.
Coding change: c.2726G>A on transcript NM_014956.5 (MANE Select); coding-DNA position 2726, G replaced by A.
Protein change: p.Arg909His; replaces arginine 909 with histidine.
Molecular consequence: missense variant.
Genome position (GRCh38, 1-based): chr11:117,394,459, G>A. VCF-style: chr11-117394459-G-A. GRCh37 (hg19) VCF-style: chr11-117265175-G-A.
Other names: c.2726G>A (NM_014956.4); c.2735G>A, p.Arg912His (NM_001271933.2); short protein forms R909H, R912H.
Identifiers: ClinVar variation 1063680 (VCV001063680.9), dbSNP rs530932318, ClinGen allele CA6295190.